The following is an entry in ClinVar:

ClinVar aggregate classification (germline): Uncertain significance (1 of 4 stars; one submission).

Conditions:
Epilepsy, progressive myoclonic, 1B. Also called: PME. Identifiers: Orphanet 308, MedGen C2676254, MONDO:0012904, OMIM 612437.

Allele frequency attached by ClinVar (database versions not stated): TOPMed below 0.00001.

Submission:

Labcorp Genetics (formerly Invitae), Labcorp
Classification: Uncertain significance for Epilepsy, progressive myoclonic, 1B. Last evaluated: 2025-02-17. Review status: criteria provided, single submitter. Criteria: Invitae Variant Classification Sherloc (09022015). Collection method: clinical testing. Allele origin: germline.
Comment: This sequence change replaces serine, which is neutral and polar, with phenylalanine, which is neutral and non-polar, at codon 154 of the PRICKLE1 protein (p.Ser154Phe). This variant is not present in population databases (gnomAD no frequency). This variant has not been reported in the literature in individuals affected with PRICKLE1-related conditions. ClinVar contains an entry for this variant (Variation ID: 944481). Invitae Evidence Modeling of protein sequence and biophysical properties (such as structural, functional, and spatial information, amino acid conservation, physicochemical variation, residue mobility, and thermodynamic stability) indicates that this missense variant is not expected to disrupt PRICKLE1 protein function with a negative predictive value of 80%. In summary, the available evidence is currently insufficient to determine the role of this variant in disease. Therefore, it has been classified as a Variant of Uncertain Significance.

NM_153026.3(PRICKLE1):c.461C>T (p.Ser154Phe)

Gene: PRICKLE1 (prickle planar cell polarity protein 1; minus strand). Cytogenetic location: 12q12.
Variant type: single nucleotide variant.
Coding change: c.461C>T on transcript NM_153026.3 (MANE Select); coding-DNA position 461, C replaced by T.
Protein change: p.Ser154Phe; replaces serine 154 with phenylalanine.
Molecular consequence: missense variant.
Genome position (GRCh38, 1-based): chr12:42,468,753, G>A on the plus strand (C>T on the coding strand, the complement: PRICKLE1 is on the minus strand). VCF-style: chr12-42468753-G-A. GRCh37 (hg19) VCF-style: chr12-42862555-G-A.
Other names: c.461C>T, p.Ser154Phe (NM_001144881.2, NM_001144882.2, NM_001144883.2); short protein forms S154F.
Identifiers: ClinVar variation 944481 (VCV000944481.9), dbSNP rs1938200477, ClinGen allele CA384443933.